The following is an entry in ClinVar:

ClinVar aggregate classification (germline): Uncertain significance. Review status: criteria provided, multiple submitters, no conflicts (2 of 4 stars). 2 submissions from 2 submitters: Uncertain significance (2). Last evaluated 2022-09-06.

Conditions:
Joubert syndrome with renal defect. Also called: JOUBERT SYNDROME 4. Identifiers: Orphanet 220497, MedGen C1846790, MONDO:0012308, OMIM 609583.
Nephronophthisis 1 (NPHP1). Also called: Nephronophthisis familial juvenile. Identifiers: Orphanet 655, Orphanet 93592, MedGen C1855681, MONDO:0009728, OMIM 256100.
Senior-Loken syndrome 1 (SLSN1). Also called: JUVENILE NEPHRONOPHTHISIS WITH LEBER AMAUROSIS. Identifiers: Orphanet 3156, MedGen C4551559, MONDO:0009962, OMIM 266900.
Nephronophthisis. Also called: Juvenile Nephronophthisis. Identifiers: Orphanet 655, MedGen C0687120, MONDO:0019005, HP:0000090.

Allele frequency attached by ClinVar (database versions not stated): gnomAD 0.00001.
gnomAD v4.1: 1 of 1,607,096 alleles (0.000062%); highest among the groups gnomAD compares: African/African-American, 0.0013%; no homozygotes.

Submissions (2):

Labcorp Genetics (formerly Invitae), Labcorp
Classification: Uncertain significance for Nephronophthisis. Last evaluated: 2022-09-06. Review status: criteria provided, single submitter. Criteria: Invitae Variant Classification Sherloc (09022015). Collection method: clinical testing. Allele origin: germline.
Comment: This variant has not been reported in the literature in individuals affected with NPHP1-related conditions. This variant is present in population databases (no rsID available, gnomAD 0.01%). This sequence change replaces glutamic acid, which is acidic and polar, with lysine, which is basic and polar, at codon 524 of the NPHP1 protein (p.Glu524Lys). ClinVar contains an entry for this variant (Variation ID: 1504682). Algorithms developed to predict the effect of missense changes on protein structure and function (SIFT, PolyPhen-2, Align-GVGD) all suggest that this variant is likely to be tolerated. In summary, the available evidence is currently insufficient to determine the role of this variant in disease. Therefore, it has been classified as a Variant of Uncertain Significance.

Fulgent Genetics
Classification: Uncertain significance for Nephronophthisis 1; Senior-Loken syndrome 1; Joubert syndrome with renal defect. Last evaluated: 2022-04-22. Review status: criteria provided, single submitter. Criteria: ACMG Guidelines, 2015. Collection method: clinical testing. Allele origin: unknown.

NM_001128178.3(NPHP1):c.1402G>A (p.Glu468Lys)

Gene: NPHP1 (nephrocystin 1; minus strand). Cytogenetic location: 2q13.
Variant type: single nucleotide variant.
Coding change: c.1402G>A on transcript NM_001128178.3 (MANE Select); coding-DNA position 1402, G replaced by A.
Protein change: p.Glu468Lys; replaces glutamic acid 468 with lysine.
Molecular consequence: missense variant.
Genome position (GRCh38, 1-based): chr2:110,144,520, C>T on the plus strand (G>A on the coding strand, the complement: NPHP1 is on the minus strand). VCF-style: chr2-110144520-C-T. GRCh37 (hg19) VCF-style: chr2-110902097-C-T.
Other names: c.1570G>A, p.Glu524Lys (NM_000272.5); c.1213G>A, p.Glu405Lys (NM_001128179.3); c.1399G>A, p.Glu467Lys (NM_001374256.1); c.1402G>A, p.Glu468Lys (NM_001374257.1); c.1567G>A, p.Glu523Lys (NM_207181.4); short protein forms E523K, E524K, E405K, E467K, E468K.
Identifiers: ClinVar variation 1504682 (VCV001504682.9), dbSNP rs1186755904, ClinGen allele CA348087477.